The following is an entry in ClinVar:

ClinVar aggregate classification (germline): Uncertain significance (1 of 4 stars; one submission).

Conditions:
LAMA2-related muscular dystrophy (LAMA2-RD). Also called: Laminin alpha 2-related dystrophy. Identifiers: MedGen C5679788, MONDO:0100228.

Submission:

Labcorp Genetics (formerly Invitae), Labcorp
Classification: Uncertain significance for LAMA2-related muscular dystrophy. Last evaluated: 2018-12-07. Review status: criteria provided, single submitter. Criteria: Invitae Variant Classification Sherloc (09022015). Collection method: clinical testing. Allele origin: germline.
Comment: This variant has not been reported in the literature in individuals with LAMA2-related conditions. This variant is not present in population databases (ExAC no frequency). This sequence change falls in intron 54 of the LAMA2 gene. It does not directly change the encoded amino acid sequence of the LAMA2 protein, but it affects a nucleotide within the consensus splice site of the intron. In summary, the available evidence is currently insufficient to determine the role of this variant in disease. Therefore, it has been classified as a Variant of Uncertain Significance. Nucleotide substitutions within the consensus splice site are a relatively common cause of aberrant splicing (PMID: 17576681, 9536098). Algorithms developed to predict the effect of sequence changes on RNA splicing suggest that this variant is not likely to affect RNA splicing, but this prediction has not been confirmed by published transcriptional studies.

Literature cited by the submitters: PubMed 17576681; PubMed 9536098.

NM_000426.4(LAMA2):c.7572+3T>C

Gene: LAMA2 (laminin subunit alpha 2; plus strand). Cytogenetic location: 6q22.33.
Variant type: single nucleotide variant.
Coding change: c.7572+3T>C on transcript NM_000426.4 (MANE Select); 3 bases into the intron after coding-DNA position 7572, T replaced by C.
Molecular consequence: intron variant.
Genome position (GRCh38, 1-based): chr6:129,478,816, T>C. VCF-style: chr6-129478816-T-C. GRCh37 (hg19) VCF-style: chr6-129799961-T-C.
Other names: c.7560+3T>C (NM_001079823.2).
Identifiers: ClinVar variation 657710 (VCV000657710.9), dbSNP rs1583845902, ClinGen allele CA915942782.